The following is an entry in ClinVar:

NM_032119.4(ADGRV1):c.16368+1G>T

Gene: ADGRV1 (adhesion G protein-coupled receptor V1; plus strand). Cytogenetic location: 5q14.3.
Variant type: single nucleotide variant.
Coding change: c.16368+1G>T on transcript NM_032119.4 (MANE Select); the canonical splice donor site of the intron after coding-DNA position 16368, G replaced by T.
Molecular consequence: splice donor variant.
Genome position (GRCh38, 1-based): chr5:90,823,597, G>T. VCF-style: chr5-90823597-G-T. GRCh37 (hg19) VCF-style: chr5-90119414-G-T.
Identifiers: ClinVar variation 1994789 (VCV001994789.4), dbSNP rs2532311493, ClinGen allele CA360425796.
Genomic context (GRCh38, chr5:90,823,597, plus strand): 5'-ACAACCTGTACAATGGGTCAAACAAAATGCTTTATCAGCATTGAACTCAAACCAGAAAAG[G>T]TAAGAAATGAAGAGACACACTAGTGTCAACTTCTAATTATATTTCTTTAGAATTAATCAT-3'

ClinVar aggregate classification (germline): Pathogenic (1 of 4 stars; one submission).

Allele frequency attached by ClinVar (database versions not stated): gnomAD exomes below 0.00001.
gnomAD v4.1: 1 of 1,612,822 alleles (0.000062%); highest among the groups gnomAD compares: South Asian, 0.0011%; no homozygotes.

Submission:

Labcorp Genetics (formerly Invitae), Labcorp
Classification: Pathogenic. Last evaluated: 2022-10-17. Review status: criteria provided, single submitter. Criteria: Invitae Variant Classification Sherloc (09022015). Collection method: clinical testing. Allele origin: germline.
Comment: For these reasons, this variant has been classified as Pathogenic. Algorithms developed to predict the effect of sequence changes on RNA splicing suggest that this variant may disrupt the consensus splice site. Disruption of this splice site has been observed in individual(s) with clinical features of Usher syndrome (Invitae). This variant is not present in population databases (gnomAD no frequency). This sequence change affects a donor splice site in intron 76 of the ADGRV1 gene. It is expected to disrupt RNA splicing. Variants that disrupt the donor or acceptor splice site typically lead to a loss of protein function (PMID: 16199547), and loss-of-function variants in ADGRV1 are known to be pathogenic (PMID: 19357117, 22135276, 22147658, 26226137, 30718709, 31047384, 32467589).

Literature cited by the submitters: PubMed 16199547; PubMed 19357117; PubMed 22135276; PubMed 22147658; PubMed 26226137; PubMed 30718709; PubMed 31047384; PubMed 32467589.